The following is an entry in ClinVar:

NM_022168.4(IFIH1):c.1988T>G (p.Leu663Ter)

Gene: IFIH1 (interferon induced with helicase C domain 1; minus strand). Cytogenetic location: 2q24.2.
Variant type: single nucleotide variant.
Coding change: c.1988T>G on transcript NM_022168.4 (MANE Select); coding-DNA position 1988, T replaced by G.
Protein change: p.Leu663Ter; replaces leucine 663 with a stop codon.
Molecular consequence: nonsense.
Genome position (GRCh38, 1-based): chr2:162,277,471, A>C on the plus strand (T>G on the coding strand, the complement: IFIH1 is on the minus strand). VCF-style: chr2-162277471-A-C. GRCh37 (hg19) VCF-style: chr2-163133981-A-C.
Other names: short protein forms L663*.
Identifiers: ClinVar variation 1339700 (VCV001339700.1), dbSNP rs2105197464, ClinGen allele CA348998617.

ClinVar aggregate classification (germline): Uncertain significance (1 of 4 stars; one submission).

Submission:

Women's Health and Genetics/Laboratory Corporation of America, LabCorp
Classification: Uncertain significance. Last evaluated: 2022-01-14. Review status: criteria provided, single submitter. Criteria: LabCorp Variant Classification Summary - May 2015. Collection method: clinical testing. Allele origin: germline.
Comment: Variant summary: IFIH1 c.1988T>G (p.Leu663X) results in a premature termination codon, predicted to cause a truncation of the encoded protein or absence of the protein due to nonsense mediated decay. The variant was absent in 244840 control chromosomes (gnomAD). The available data on variant occurrences in the general population are insufficient to allow any conclusion about variant significance. To our knowledge, no occurrence of c.1988T>G in individuals affected with Aicardi-Goutieres Syndrome 7 and no experimental evidence demonstrating its impact on protein function have been reported. No clinical diagnostic laboratories have submitted clinical-significance assessments for this variant to ClinVar after 2014. Based on the evidence outlined above, the variant was classified as uncertain significance.